The following is an entry in ClinVar:

ClinVar aggregate classification (germline): Uncertain significance (1 of 4 stars; one submission).

Conditions:
Autoimmune lymphoproliferative syndrome type 2A (ALPS2A). Also called: AUTOIMMUNE LYMPHOPROLIFERATIVE SYNDROME, TYPE IIA; CASP10-Related Autoimmune Lymphoproliferative Syndrome; Autoimmune lymphoproliferative syndrome type 2. Identifiers: Orphanet 3261, MedGen C1858968, MONDO:0011383, OMIM 603909.

Allele frequency attached by ClinVar (database versions not stated): gnomAD 0.00002 and 0.00003; gnomAD exomes 0.00002 and 0.00005; TOPMed 0.00005; ExAC 0.00006.

Submission:

Labcorp Genetics (formerly Invitae), Labcorp
Classification: Uncertain significance for Autoimmune lymphoproliferative syndrome type 2A. Last evaluated: 2025-12-15. Review status: criteria provided, single submitter. Criteria: Invitae Variant Classification Sherloc (09022015). Collection method: clinical testing. Allele origin: germline.
Comment: This sequence change replaces arginine, which is basic and polar, with cysteine, which is neutral and slightly polar, at codon 21 of the CASP10 protein (p.Arg21Cys). This variant is present in population databases (rs559979934, gnomAD 0.06%), and has an allele count higher than expected for a pathogenic variant. This variant has not been reported in the literature in individuals affected with CASP10-related conditions. ClinVar contains an entry for this variant (Variation ID: 1356222). An algorithm developed to predict the effect of missense changes on protein structure and function (PolyPhen-2) suggests that this variant is likely to be tolerated. In summary, the available evidence is currently insufficient to determine the role of this variant in disease. Therefore, it has been classified as a Variant of Uncertain Significance.

NM_032977.4(CASP10):c.61C>T (p.Arg21Cys)

Gene: CASP10 (caspase 10; plus strand). Cytogenetic location: 2q33.1.
Variant type: single nucleotide variant.
Coding change: c.61C>T on transcript NM_032977.4 (MANE Select); coding-DNA position 61, C replaced by T.
Protein change: p.Arg21Cys; replaces arginine 21 with cysteine.
Molecular consequence: missense variant.
Genome position (GRCh38, 1-based): chr2:201,185,838, C>T. VCF-style: chr2-201185838-C-T. GRCh37 (hg19) VCF-style: chr2-202050561-C-T.
Other names: c.61C>T, p.Arg21Cys (NM_001230.5, NM_001306083.2, NM_001206524.2 and 3 more transcripts); short protein forms R21C.
Identifiers: ClinVar variation 1356222 (VCV001356222.6), dbSNP rs559979934, ClinGen allele CA2052768.
Genomic context (GRCh38, chr2:201,185,838, plus strand): 5'-ATGAAATCTCAAGGTCAACATTGGTATTCCAGTTCAGATAAAAACTGTAAAGTGAGCTTT[C>T]GTGAGAAGCTTCTGATTATTGATTCAAACCTGGGGGTCCAAGATGTGGAGAACCTCAAGT-3'
Protein context (NP_116759.2, residues 11-31): SSDKNCKVSF[Arg21Cys]EKLLIIDSNL